The following is an entry in ClinVar:

NM_001267550.2(TTN):c.9461del (p.Lys3154fs)

Gene: TTN (titin; minus strand). Cytogenetic location: 2q31.2.
Variant type: Deletion.
Coding change: c.9461del on transcript NM_001267550.2 (MANE Select); coding-DNA position 9461, one base deleted (A; older notation c.9461delA).
Protein change: p.Lys3154fs; shifts the reading frame from lysine 3154.
Molecular consequence: frameshift variant.
Genome position (GRCh38, 1-based): chr2:178,767,769, T deleted on the plus strand (A on the coding strand, the reverse complement: TTN is on the minus strand); the first of 5 consecutive T bases (chr2:178,767,769-178,767,773); deleting any one gives the same sequence. VCF-style (leftmost placement, unchanged base first): chr2-178767768-CT-C. GRCh37 (hg19) VCF-style: chr2-179632495-CT-C.
Other names: c.9461del, p.Lys3154fs (NM_001256850.1, NM_133378.4, NM_133379.5); c.9323del, p.Lys3108fs (NM_003319.4, NM_133432.3, NM_133437.4); short protein forms K3108fs, K3154fs.
Identifiers: ClinVar variation 1052263 (VCV001052263.9), dbSNP rs2154341391, ClinGen allele CA2499215494.
Genomic context (GRCh38, chr2:178,767,768, plus strand): 5'-AGATTATGGACTACTGATGATTTTTCAAAACATTTAGTATGTAGACAATACCTGAACCTC[CT>C]TTTTAATACTTCGGATGCGAACATCTCTGCCTTCTACAAAGAGTTTTGCAGTTGACACGT-3'

ClinVar aggregate classification (germline): Likely pathogenic (1 of 4 stars; one submission).

Conditions:
Dilated cardiomyopathy 1G (CMD1G). Identifiers: Orphanet 154, MedGen C1858763, MONDO:0011400, OMIM 604145.
Autosomal recessive limb-girdle muscular dystrophy type 2J (LGMDR10). Also called: Limb-girdle muscular dystrophy, type 2J; MUSCULAR DYSTROPHY, LIMB-GIRDLE, AUTOSOMAL RECESSIVE 10. Identifiers: Orphanet 140922, MedGen C1837342, MONDO:0012127, OMIM 608807.

Submission:

Labcorp Genetics (formerly Invitae), Labcorp
Classification: Likely pathogenic for Dilated cardiomyopathy 1G; Autosomal recessive limb-girdle muscular dystrophy type 2J. Last evaluated: 2024-10-18. Review status: criteria provided, single submitter. Criteria: Invitae Variant Classification Sherloc (09022015). Collection method: clinical testing. Allele origin: germline.
Comment: This sequence change creates a premature translational stop signal (p.Lys3154Argfs*44) in the TTN gene. While this is not anticipated to result in nonsense mediated decay, it is expected to create a truncated TTN protein. This variant is not present in population databases (gnomAD no frequency). This variant has not been observed in the literature in individuals with autosomal recessive TTN-related conditions. This variant has been reported in individual(s) with dilated cardiomyopathy (internal data); however, the role of the variant in this condition is currently unclear. ClinVar contains an entry for this variant (Variation ID: 1052263). This variant is located in the I band of TTN (PMID: 25589632). Truncating variants in this region have been reported in individuals affected with autosomal recessive centronuclear myopathy (PMID: 23975875, internal data). Truncating variants in this region have also been identified in individuals affected with autosomal dominant dilated cardiomyopathy and/or cardio-related conditions (PMID: 27869827, 32964742, internal data). In summary, the currently available evidence indicates that the variant is pathogenic, but additional data are needed to prove that conclusively. Therefore, this variant has been classified as Likely Pathogenic.

Literature cited by the submitters: PubMed 25589632; PubMed 23975875; PubMed 27869827; PubMed 32964742.